The following is an entry in ClinVar:

ClinVar aggregate classification (germline): Pathogenic (1 of 4 stars; one submission).

Conditions:
Bethlem myopathy 1A. Also called: Bethlem Muscular Dystrophy; MYOPATHY, BENIGN CONGENITAL, WITH CONTRACTURES; Bethlem myopathy 1. Identifiers: Orphanet 610, MedGen CN029274, MONDO:0024530, OMIM 158810.

Submission:

Labcorp Genetics (formerly Invitae), Labcorp
Classification: Pathogenic for Bethlem myopathy 1A. Last evaluated: 2020-09-15. Review status: criteria provided, single submitter. Criteria: Invitae Variant Classification Sherloc (09022015). Collection method: clinical testing. Allele origin: germline.
Comment: For these reasons, this variant has been classified as Pathogenic. This variant disrupts the C-terminus of the COL6A2 protein. Other variant(s) that disrupt this region (p.Tyr1002*) have been determined to be pathogenic (PMID: 29419890). This suggests that variants that disrupt this region of the protein are likely to be causative of disease. This sequence change results in a premature translational stop signal in the COL6A2 gene (p.Phe997Valfs*7). While this is not anticipated to result in nonsense mediated decay, it is expected to disrupt the last 23 amino acids of the COL6A2 protein. This variant has not been reported in the literature in individuals with COL6A2-related conditions. This variant is not present in population databases (ExAC no frequency).

Literature cited by the submitters: PubMed 29419890.

NM_001849.4(COL6A2):c.2988dup (p.Phe997fs)

Gene: COL6A2 (collagen type VI alpha 2 chain; plus strand). Cytogenetic location: 21q22.3.
Variant type: Duplication.
Coding change: c.2988dup on transcript NM_001849.4 (MANE Select); coding-DNA position 2988, one base duplicated (G; older notation c.2988dupG).
Protein change: p.Phe997fs; shifts the reading frame from phenylalanine 997.
Molecular consequence: frameshift variant.
Genome position (GRCh38, 1-based): chr21:46,132,480, G duplicated. VCF-style (leftmost placement, unchanged base first): chr21-46132479-T-TG. GRCh37 (hg19) VCF-style: chr21-47552393-T-TG.
Other names: c.2988dupG (NM_001849.3); short protein forms F997fs.
Identifiers: ClinVar variation 476481 (VCV000476481.9), dbSNP rs1555877364, ClinGen allele CA658658898.
Genomic context (GRCh38, chr21:46,132,479, plus strand): 5'-TGGGCAGCGACGTGGACATGGACGTGCTCACCACGCTCAGCCTGGGTGACCGCGCCGCCG[T>TG]GTTCCACGAGAAGGACTATGACAGCCTGGCGCAACCCGGCTTCTTCGACCGCTTCATCCG-3'